The following is an entry in ClinVar:

NM_000463.3(UGT1A1):c.164dup (p.His55fs)

Genes: UGT1A4 (UDP glucuronosyltransferase family 1 member A4; plus strand), UGT1A5 (UDP glucuronosyltransferase family 1 member A5; plus strand), UGT1A6 (UDP glucuronosyltransferase family 1 member A6; plus strand), UGT1A10 (UDP glucuronosyltransferase family 1 member A10; plus strand), UGT1A3 (UDP glucuronosyltransferase family 1 member A3; plus strand) and 5 more. Cytogenetic location: 2q37.1.
Variant type: Duplication.
Coding change: c.164dup on transcript NM_000463.3 (MANE Select); coding-DNA position 164, one base duplicated (A; older notation c.164dupA).
Protein change: p.His55fs; shifts the reading frame from histidine 55.
Molecular consequence: frameshift variant. On other transcripts: intron variant (9).
Genome position (GRCh38, 1-based): chr2:233,760,451, A duplicated. VCF-style (leftmost placement, unchanged base first): chr2-233760450-C-CA. GRCh37 (hg19) VCF-style: chr2-234669096-C-CA.
Other names: c.856-6583dup (NM_019075.4, NM_021027.3, NM_019077.3 and 1 more transcripts); c.61-6583dup (NM_205862.3); c.862-6583dup (NM_001072.4); c.868-6583dup (NM_019078.2, NM_007120.3, NM_019093.4); short protein forms H55fs.
Identifiers: ClinVar variation 2119343 (VCV002119343.4), dbSNP rs2472939479, ClinGen allele CA2580066072.

ClinVar aggregate classification (germline): Pathogenic (1 of 4 stars; one submission).

Allele frequency attached by ClinVar (database versions not stated): gnomAD exomes below 0.00001.

Submission:

Labcorp Genetics (formerly Invitae), Labcorp
Classification: Pathogenic. Last evaluated: 2022-03-29. Review status: criteria provided, single submitter. Criteria: Invitae Variant Classification Sherloc (09022015). Collection method: clinical testing. Allele origin: germline.
Comment: For these reasons, this variant has been classified as Pathogenic. This variant has not been reported in the literature in individuals affected with UGT1A1-related conditions. This variant is not present in population databases (gnomAD no frequency). This sequence change creates a premature translational stop signal (p.His55Glnfs*2) in the UGT1A1 gene. It is expected to result in an absent or disrupted protein product. Loss-of-function variants in UGT1A1 are known to be pathogenic (PMID: 23290513).

Literature cited by the submitters: PubMed 23290513.